The following is an entry in ClinVar:

ClinVar aggregate classification (germline): Benign/Likely benign. Review status: criteria provided, multiple submitters, no conflicts (2 of 4 stars). 13 submissions from 12 submitters: Benign (3); Likely benign (7). 3 of the submissions do not count toward it. Last evaluated 2026-02-04.

Conditions:
NOTCH1-related disorder. Also called: NOTCH1-related disorders; NOTCH1-related condition.
Connective tissue disorder. Also called: Connective tissue disease. Identifiers: MedGen C0009782, MONDO:0003900.
Adams-Oliver syndrome 5 (AOS5). Identifiers: Orphanet 974, MedGen C4014970, MONDO:0014459, OMIM 616028.
Familial thoracic aortic aneurysm and aortic dissection (TAAD). Also called: Thoracic aortic aneurysms and dissections. Identifiers: Orphanet 91387, MedGen C4707243, MONDO:0019625.
Aortic valve disease 1 (AOVD1). Identifiers: MedGen C3887892, MONDO:0024523, OMIM 109730.

Allele frequency attached by ClinVar (database versions not stated): ExAC 0.00012; gnomAD exomes 0.00019; TOPMed 0.00032; gnomAD 0.00034 and 0.00035; ESP Exome Variant Server 0.00064.
gnomAD v4.1: 651 of 1,607,382 alleles (0.041%); highest among the groups gnomAD compares: Non-Finnish European, 0.052%; no homozygotes.

Submissions (13):

Labcorp Genetics (formerly Invitae), Labcorp
Classification: Likely benign for Adams-Oliver syndrome 5. Last evaluated: 2026-02-04. Review status: criteria provided, single submitter. Criteria: Invitae Variant Classification Sherloc (09022015). Collection method: clinical testing. Allele origin: germline.

CeGaT Center for Human Genetics Tuebingen
Classification: Likely benign. Last evaluated: 2025-12-01. Review status: criteria provided, single submitter. Criteria: CeGaT Center For Human Genetics Tuebingen Variant Classification Criteria Version 2. Collection method: clinical testing. Allele origin: germline. Affected: yes. Observed: 1 variant allele.
Comment: NOTCH1: BP4, BP7

ARUP Laboratories, Molecular Genetics and Genomics, ARUP Laboratories
Classification: Likely benign. Last evaluated: 2025-02-19. Review status: criteria provided, single submitter. Criteria: ARUP Molecular Germline Variant Investigation Process 2024. Collection method: clinical testing. Allele origin: germline.

Blueprint Genetics
Classification: Likely benign. Last evaluated: 2024-09-14. Review status: criteria provided, single submitter. Criteria: ACMG Guidelines, 2015. Collection method: clinical testing. Allele origin: germline.

Genome-Nilou Lab
Classification: Benign for Adams-Oliver syndrome 5. Last evaluated: 2022-03-15. Review status: criteria provided, single submitter. Criteria: ACMG Guidelines, 2015. Collection method: clinical testing. Allele origin: germline. Affected: no.

Genome-Nilou Lab
Classification: Benign for Aortic valve disease 1. Last evaluated: 2022-03-15. Review status: criteria provided, single submitter. Criteria: ACMG Guidelines, 2015. Collection method: clinical testing. Allele origin: germline. Affected: no.

GeneDx
Classification: Likely benign. Last evaluated: 2020-09-08. Review status: criteria provided, single submitter. Criteria: GeneDx Variant Classification Process June 2021. Collection method: clinical testing. Allele origin: germline. Affected: yes.

Center for Human Genetics, Inc
Classification: Likely benign for Connective tissue disorder. Last evaluated: 2018-06-01. Review status: criteria provided, single submitter. Criteria: ACMG Guidelines, 2015. Collection method: clinical testing. Allele origin: germline. Affected: yes.

CHEO Genetics Diagnostic Laboratory, Children's Hospital of Eastern Ontario
Classification: Benign for Familial thoracic aortic aneurysm and aortic dissection. Last evaluated: 2018-02-27. Review status: criteria provided, single submitter. Criteria: ACMG Guidelines, 2015. Collection method: clinical testing. Allele origin: germline.

Ambry Genetics
Classification: Likely benign for Familial thoracic aortic aneurysm and aortic dissection. Last evaluated: 2015-10-16. Review status: criteria provided, single submitter. Criteria: Ambry Variant Classification Scheme 2023. Collection method: clinical testing. Allele origin: germline.

PreventionGenetics, part of Exact Sciences
Classification: Likely benign for NOTCH1-related condition. Last evaluated: 2021-06-28. Review status: no assertion criteria provided. Collection method: clinical testing. Allele origin: germline. Not counted in ClinVar's aggregate classification.
Comment: This variant is classified as likely benign based on ACMG/AMP sequence variant interpretation guidelines (Richards et al. 2015 PMID: 25741868, with internal and published modifications).

Clinical Genetics DNA and cytogenetics Diagnostics Lab, Erasmus MC, Erasmus Medical Center
Classification: Likely benign. Review status: no assertion criteria provided. Collection method: clinical testing. Allele origin: germline. Affected: yes. Study: VKGL Data-share Consensus. Not counted in ClinVar's aggregate classification.

Genome Diagnostics Laboratory, Amsterdam University Medical Center
Classification: Likely benign. Review status: no assertion criteria provided. Collection method: clinical testing. Allele origin: germline. Affected: yes. Study: VKGL Data-share Consensus. Not counted in ClinVar's aggregate classification.

NM_017617.5(NOTCH1):c.6429C>T (p.Asn2143=)

Gene: NOTCH1 (notch receptor 1; minus strand). Cytogenetic location: 9q34.3.
Variant type: single nucleotide variant.
Coding change: c.6429C>T on transcript NM_017617.5 (MANE Select); coding-DNA position 6429, C replaced by T.
Protein change: p.Asn2143=; no amino-acid change (asparagine 2143 retained).
Molecular consequence: synonymous variant.
Genome position (GRCh38, 1-based): chr9:136,497,310, G>A on the plus strand (C>T on the coding strand, the complement: NOTCH1 is on the minus strand). VCF-style: chr9-136497310-G-A. GRCh37 (hg19) VCF-style: chr9-139391762-G-A.
Other names: c.6429C>T, p.Asn2143= (LRG_1122t1).
Identifiers: ClinVar variation 264443 (VCV000264443.31), dbSNP rs369845924, ClinGen allele CA5339902.